The following is an entry in ClinVar:

NM_000238.4(KCNH2):c.301A>T (p.Lys101Ter)

Gene: KCNH2 (potassium voltage-gated channel subfamily H member 2; minus strand). Cytogenetic location: 7q36.1.
Variant type: single nucleotide variant.
Coding change: c.301A>T on transcript NM_000238.4 (MANE Select); coding-DNA position 301, A replaced by T.
Protein change: p.Lys101Ter; replaces lysine 101 with a stop codon.
Molecular consequence: nonsense.
Genome position (GRCh38, 1-based): chr7:150,974,717, T>A on the plus strand (A>T on the coding strand, the complement: KCNH2 is on the minus strand). VCF-style: chr7-150974717-T-A. GRCh37 (hg19) VCF-style: chr7-150671805-T-A.
Other names: p.K101*:AAA>TAA; c.124A>T, p.Lys42Ter (NM_001406755.1); c.301A>T, p.Lys101Ter (NM_172056.3); short protein forms K101*, K42*.
Identifiers: ClinVar variation 200586 (VCV000200586.4), dbSNP rs199472856, ClinGen allele CA007825.

ClinVar aggregate classification (germline): Pathogenic (1 of 4 stars; one submission).

Submission:

GeneDx
Classification: Pathogenic. Last evaluated: 2013-11-20. Review status: criteria provided, single submitter. Criteria: GeneDx Variant Classification (06012015). Collection method: clinical testing. Allele origin: germline. Affected: yes.
Comment: p.Lys101Stop (AAA>TAA): c.301 A>T in exon 2 of the KCNH2 (HERG) gene (NM_000238.2)The Lys101Stop mutation in the KCNH2 gene has not been reported as a disease-causing mutation or as a benign polymorphism to our knowledge. Lys101Stop is predicted to cause loss of normal protein function either by protein truncation or nonsense-mediated mRNA decay. Other nonsense mutations in the KCNH2 gene have been reported in association with LQTS.In summary, Lys101Stop in the KCNH2 gene is interpreted as a disease-causing mutation. The variant is found in LQT panel(s).